The following is an entry in ClinVar:

ClinVar aggregate classification (germline): Uncertain significance (1 of 4 stars; one submission).

Conditions:
MHC class I deficiency. Identifiers: Orphanet 34592, MedGen C6024714, MONDO:0011476.

Submission:

Labcorp Genetics (formerly Invitae), Labcorp
Classification: Uncertain significance for MHC class I deficiency 1. Last evaluated: 2024-11-05. Review status: criteria provided, single submitter. Criteria: Invitae Variant Classification Sherloc (09022015). Collection method: clinical testing. Allele origin: germline.
Comment: This sequence change replaces aspartic acid, which is acidic and polar, with histidine, which is basic and polar, at codon 357 of the TAPBP protein (p.Asp357His). This variant is not present in population databases (gnomAD no frequency). This variant has not been reported in the literature in individuals affected with TAPBP-related conditions. ClinVar contains an entry for this variant (Variation ID: 2903423). An algorithm developed to predict the effect of missense changes on protein structure and function (PolyPhen-2) suggests that this variant is likely to be disruptive. In summary, the available evidence is currently insufficient to determine the role of this variant in disease. Therefore, it has been classified as a Variant of Uncertain Significance.

NM_003190.5(TAPBP):c.1069G>C (p.Asp357His)

Gene: TAPBP (TAP binding protein; minus strand). Cytogenetic location: 6p21.32.
Variant type: single nucleotide variant.
Coding change: c.1069G>C on transcript NM_003190.5 (MANE Select); coding-DNA position 1069, G replaced by C.
Protein change: p.Asp357His; replaces aspartic acid 357 with histidine.
Molecular consequence: missense variant.
Genome position (GRCh38, 1-based): chr6:33,304,438, C>G on the plus strand (G>C on the coding strand, the complement: TAPBP is on the minus strand). VCF-style: chr6-33304438-C-G. GRCh37 (hg19) VCF-style: chr6-33272215-C-G.
Other names: c.1069G>C, p.Asp357His (NM_001410875.1, NM_172208.3); c.808G>C, p.Asp270His (NM_172209.3); short protein forms D357H, D270H.
Identifiers: ClinVar variation 2903423 (VCV002903423.3), dbSNP rs376210117, ClinGen allele CA137089024.